The following is an entry in ClinVar:

ClinVar aggregate classification (germline): Uncertain significance (1 of 4 stars; one submission).

gnomAD v4.1: 1 of 1,613,726 alleles (0.000062%); highest among the groups gnomAD compares: Non-Finnish European, 0.000085%; no homozygotes.

Submission:

GeneDx
Classification: Uncertain significance. Last evaluated: 2024-11-15. Review status: criteria provided, single submitter. Criteria: GeneDx Variant Classification Process June 2021. Collection method: clinical testing. Allele origin: germline. Affected: yes.
Comment: Not observed at significant frequency in large population cohorts (gnomAD); In silico analysis supports that this missense variant has a deleterious effect on protein structure/function; Has not been previously published as pathogenic or benign to our knowledge; This variant is associated with the following publications: (PMID: 22696272)

NM_000393.5(COL5A2):c.2536G>A (p.Gly846Ser)

Gene: COL5A2 (collagen type V alpha 2 chain; minus strand). Cytogenetic location: 2q32.2.
Variant type: single nucleotide variant.
Coding change: c.2536G>A on transcript NM_000393.5 (MANE Select); coding-DNA position 2536, G replaced by A.
Protein change: p.Gly846Ser; replaces glycine 846 with serine.
Molecular consequence: missense variant.
Genome position (GRCh38, 1-based): chr2:189,053,441, C>T on the plus strand (G>A on the coding strand, the complement: COL5A2 is on the minus strand). VCF-style: chr2-189053441-C-T. GRCh37 (hg19) VCF-style: chr2-189918167-C-T.
Other names: short protein forms G846S.
Identifiers: ClinVar variation 3900208 (VCV003900208.1).